The following is an entry in ClinVar:

ClinVar aggregate classification (germline): Uncertain significance (1 of 4 stars; one submission).

Conditions:
Early-infantile DEE. Also called: Ohtahara syndrome; Early infantile epileptic encephalopathy; Early infantile epileptic encephalopathy with suppression bursts. Identifiers: Orphanet 1934, MedGen C0393706, MONDO:0800491.

Submission:

Labcorp Genetics (formerly Invitae), Labcorp
Classification: Uncertain significance for Early-infantile DEE. Last evaluated: 2020-03-17. Review status: criteria provided, single submitter. Criteria: Invitae Variant Classification Sherloc (09022015). Collection method: clinical testing. Allele origin: germline.
Comment: This sequence change replaces proline with threonine at codon 370 of the KCNQ2 protein (p.Pro370Thr). The proline residue is highly conserved and there is a small physicochemical difference between proline and threonine. This variant is not present in population databases (ExAC no frequency). This variant has not been reported in the literature in individuals with KCNQ2-related conditions. Algorithms developed to predict the effect of missense changes on protein structure and function are either unavailable or do not agree on the potential impact of this missense change (SIFT: "Deleterious"; PolyPhen-2: "Probably Damaging"; Align-GVGD: "Class C0"). In summary, the available evidence is currently insufficient to determine the role of this variant in disease. Therefore, it has been classified as a Variant of Uncertain Significance.

NM_172107.4(KCNQ2):c.1108C>A (p.Pro370Thr)

Gene: KCNQ2 (potassium voltage-gated channel subfamily Q member 2; minus strand). Cytogenetic location: 20q13.33.
Variant type: single nucleotide variant.
Coding change: c.1108C>A on transcript NM_172107.4 (MANE Select); coding-DNA position 1108, C replaced by A.
Protein change: p.Pro370Thr; replaces proline 370 with threonine.
Molecular consequence: missense variant.
Genome position (GRCh38, 1-based): chr20:63,433,819, G>T on the plus strand (C>A on the coding strand, the complement: KCNQ2 is on the minus strand). VCF-style: chr20-63433819-G-T. GRCh37 (hg19) VCF-style: chr20-62065172-G-T.
Other names: c.1108C>A, p.Pro370Thr (NM_001382235.1, NM_004518.6, NM_172106.3 and 2 more transcripts); short protein forms P370T.
Identifiers: ClinVar variation 1024136 (VCV001024136.9), dbSNP rs2080902130, ClinGen allele CA409651059.